The following is an entry in ClinVar:

ClinVar aggregate classification (germline): Likely benign (1 of 4 stars; one submission).

gnomAD v4.1: 9 of 1,611,946 alleles (0.00056%); highest among the groups gnomAD compares: Middle Eastern, 0.017%; no homozygotes.

Submission:

CeGaT Center for Human Genetics Tuebingen
Classification: Likely benign. Last evaluated: 2026-08-01. Review status: criteria provided, single submitter. Criteria: CeGaT Center For Human Genetics Tuebingen Variant Classification Criteria Version 2. Collection method: clinical testing. Allele origin: germline. Affected: yes. Observed: 1 variant allele.
Comment: ARID2: BP4, BP7

NM_152641.4(ARID2):c.1104A>G (p.Arg368=)

Gene: ARID2 (AT-rich interaction domain 2; plus strand). Cytogenetic location: 12q12.
Variant type: single nucleotide variant.
Coding change: c.1104A>G on transcript NM_152641.4 (MANE Select); coding-DNA position 1104, A replaced by G.
Protein change: p.Arg368=; no amino-acid change (arginine 368 retained).
Molecular consequence: synonymous variant.
Genome position (GRCh38, 1-based): chr12:45,837,401, A>G. VCF-style: chr12-45837401-A-G. GRCh37 (hg19) VCF-style: chr12-46231184-A-G.
Other names: c.1104A>G, p.Arg368= (NM_001347839.2).
Identifiers: ClinVar variation 5039468 (VCV005039468.1).